The following is an entry in ClinVar:

ClinVar aggregate classification (germline): Likely pathogenic. Review status: criteria provided, multiple submitters, no conflicts (2 of 4 stars). 2 submissions from 2 submitters: Likely pathogenic (2). Last evaluated 2023-11-09.

Conditions:
Propionic acidemia (PROP). Also called: GLYCINEMIA, KETOTIC; HYPERGLYCINEMIA WITH KETOACIDOSIS AND LEUKOPENIA; KETOTIC HYPERGLYCINEMIA. Identifiers: Orphanet 35, MedGen C0268579, MONDO:0011628, OMIM 606054, HP:0003571.

Submissions (2):

Labcorp Genetics (formerly Invitae), Labcorp
Classification: Likely pathogenic for Propionic acidemia. Last evaluated: 2023-11-09. Review status: criteria provided, single submitter. Criteria: Invitae Variant Classification Sherloc (09022015). Collection method: clinical testing. Allele origin: germline.
Comment: This sequence change affects a donor splice site in intron 12 of the PCCA gene. It is expected to disrupt RNA splicing. Variants that disrupt the donor or acceptor splice site typically lead to a loss of protein function (PMID: 16199547), and loss-of-function variants in PCCA are known to be pathogenic (PMID: 15464417). This variant is not present in population databases (gnomAD no frequency). This variant has not been reported in the literature in individuals affected with PCCA-related conditions. Algorithms developed to predict the effect of sequence changes on RNA splicing suggest that this variant may disrupt the consensus splice site. In summary, the currently available evidence indicates that the variant is pathogenic, but additional data are needed to prove that conclusively. Therefore, this variant has been classified as Likely Pathogenic.

Baylor Genetics
Classification: Likely pathogenic for Propionic acidemia. Last evaluated: 2023-08-25. Review status: criteria provided, single submitter. Criteria: ACMG Guidelines, 2015. Collection method: clinical testing. Allele origin: unknown.

Literature cited by the submitters: PubMed 16199547 (cited by Labcorp Genetics (formerly Invitae), Labcorp); PubMed 15464417 (cited by Labcorp Genetics (formerly Invitae), Labcorp).

NM_000282.4(PCCA):c.1065+1G>A

Gene: PCCA (propionyl-CoA carboxylase subunit alpha; plus strand). Cytogenetic location: 13q32.3.
Variant type: single nucleotide variant.
Coding change: c.1065+1G>A on transcript NM_000282.4 (MANE Select); the canonical splice donor site of the intron after coding-DNA position 1065, G replaced by A.
Molecular consequence: splice donor variant.
Genome position (GRCh38, 1-based): chr13:100,273,347, G>A. VCF-style: chr13-100273347-G-A. GRCh37 (hg19) VCF-style: chr13-100925601-G-A.
Other names: c.1065+1G>A (NM_001178004.2, NM_001352605.2, NM_001352606.2 and 1 more transcripts); c.120+1G>A (NM_001352610.2, NM_001352611.2, NM_001352612.2); c.987+1G>A (NM_001127692.3, NM_001352607.2, NM_001352608.2).
Identifiers: ClinVar variation 2677494 (VCV002677494.4), dbSNP rs2063433750, ClinGen allele CA388694998.